The following is an entry in ClinVar:

ClinVar aggregate classification (germline): Uncertain significance. Review status: criteria provided, multiple submitters, no conflicts (2 of 4 stars). 2 submissions from 2 submitters: Uncertain significance (2). Last evaluated 2025-01-10.

Conditions:
Shwachman syndrome. Also called: Shwachman-Diamond Syndrome; SHWACHMAN-BODIAN SYNDROME; PANCREATIC INSUFFICIENCY AND BONE MARROW DYSFUNCTION. Identifiers: Orphanet 811, MedGen C0272170, MONDO:0009833.
Shwachman-Diamond syndrome 2. Identifiers: MedGen C4693704, MONDO:0044205, OMIM 617941.

Allele frequency attached by ClinVar (database versions not stated): gnomAD 0.00001; TOPMed 0.00001; gnomAD exomes 0.00002.
gnomAD v4.1: 24 of 1,613,986 alleles (0.0015%); highest among the groups gnomAD compares: Non-Finnish European, 0.002%; no homozygotes.

Submissions (2):

Broad Center for Mendelian Genomics, Broad Institute of MIT and Harvard
Classification: Uncertain significance for Shwachman syndrome. Last evaluated: 2025-01-10. Review status: criteria provided, single submitter. Criteria: ACMG Guidelines, 2015. Collection method: curation. Allele origin: germline. Inheritance: Autosomal recessive inheritance.
Comment: The p.Leu878Ile variant in EFL1 has not been previously reported in individuals with Shwachman-Diamond syndrome, but has been identified in 0.002% (24/1180026) of European (non-Finnish) chromosomes by the Genome Aggregation Database (gnomAD). Although this variant has been seen in the general population in a heterozygous state, its frequency is low enough to be consistent with a recessive carrier frequency. This variant has also been reported in ClinVar (Variation ID: 2577886) and has been interpreted as a variant of uncertain significance by St. Jude Molecular Pathology (St. Jude Children's Research Hospital). Computational prediction tools, including splice predictors, and conservation analyses suggest that this variant may not impact the protein, though this information is not predictive enough to rule out pathogenicity. Furthermore, although this gene has been reported in association with Shwachman-Diamond syndrome, it currently has moderate evidence for these associations. In summary, the clinical significance of the p.Leu878Ile variant is uncertain.

St. Jude Molecular Pathology, St. Jude Children's Research Hospital
Classification: Uncertain significance for Shwachman-Diamond syndrome 2. Last evaluated: 2024-12-09. Review status: criteria provided, single submitter. Criteria: St. Jude Assertion Criteria 2020. Collection method: clinical testing. Allele origin: germline.
Comment: The EFL1 c.2632C>A (p.Leu878Ile) missense change is absent in gnomAD v2.1.1. The in silico tool REVEL predicts a benign effect on protein function, but to our knowledge this prediction has not been confirmed by functional studies. This variant has not been reported in individuals with Shwachman-Diamond syndrome. In summary, the evidence currently available is insufficient to determine the clinical significance of this variant. It has therefore been classified as of uncertain significance.

NM_024580.6(EFL1):c.2632C>A (p.Leu878Ile)

Gene: EFL1 (elongation factor like GTPase 1; minus strand). Cytogenetic location: 15q25.2.
Variant type: single nucleotide variant.
Coding change: c.2632C>A on transcript NM_024580.6 (MANE Select); coding-DNA position 2632, C replaced by A.
Protein change: p.Leu878Ile; replaces leucine 878 with isoleucine.
Molecular consequence: missense variant. On other transcripts: non-coding transcript variant (1).
Genome position (GRCh38, 1-based): chr15:82,151,822, G>T on the plus strand (C>A on the coding strand, the complement: EFL1 is on the minus strand). VCF-style: chr15-82151822-G-T. GRCh37 (hg19) VCF-style: chr15-82444163-G-T.
Other names: NM_024580.6(EFL1):c.2632C>A; p.Leu878Ile; c.2479C>A, p.Leu827Ile (NM_001040610.3); c.1843C>A, p.Leu615Ile (NM_001322844.2); c.2632C>A, p.Leu878Ile (NM_001322845.2); short protein forms L615I, L827I, L878I.
Identifiers: ClinVar variation 2577886 (VCV002577886.3), dbSNP rs2073912416, ClinGen allele CA393287011.